The following is an entry in ClinVar:

ClinVar aggregate classification (germline): Uncertain significance (1 of 4 stars; one submission).

gnomAD v4.1: 3 of 1,613,488 alleles (0.00019%); highest among the groups gnomAD compares: Non-Finnish European, 0.00025%; no homozygotes.

Submission:

Ambry Genetics
Classification: Uncertain significance. Last evaluated: 2023-07-09. Review status: criteria provided, single submitter. Criteria: Ambry Variant Classification Scheme 2023. Collection method: clinical testing. Allele origin: germline.
Comment: The p.I363M variant (also known as c.1089C>G), located in coding exon 11 of the PRKDC gene, results from a C to G substitution at nucleotide position 1089. The isoleucine at codon 363 is replaced by methionine, an amino acid with highly similar properties. This amino acid position is conserved. In addition, the in silico prediction for this alteration is inconclusive. Since supporting evidence is limited at this time, the clinical significance of this alteration remains unclear.

NM_006904.7(PRKDC):c.1089C>G (p.Ile363Met)

Gene: PRKDC (protein kinase, DNA-activated, catalytic subunit; minus strand). Cytogenetic location: 8q11.21.
Variant type: single nucleotide variant.
Coding change: c.1089C>G on transcript NM_006904.7 (MANE Select); coding-DNA position 1089, C replaced by G.
Protein change: p.Ile363Met; replaces isoleucine 363 with methionine.
Molecular consequence: missense variant.
Genome position (GRCh38, 1-based): chr8:47,939,575, G>C on the plus strand (C>G on the coding strand, the complement: PRKDC is on the minus strand). VCF-style: chr8-47939575-G-C. GRCh37 (hg19) VCF-style: chr8-48852135-G-C.
Other names: c.1089C>G, p.Ile363Met (NM_001081640.2); short protein forms I363M.
Identifiers: ClinVar variation 2626335 (VCV002626335.2), dbSNP rs772261211, ClinGen allele CA371166592.
Genomic context (GRCh38, chr8:47,939,575, plus strand): 5'-AACCAAGACAAAATAGAGTAAGTTAATGAGACATACTCCTGCAAAAAGTCCATATCCACG[G>C]ATAGCAATAGATAACTCCTTGTTGTTCGAATCCACATTTCTGATGATTCCATAAAACTGC-3'
Protein context (NP_008835.5, residues 353-373): DSNNKELSIA[Ile363Met]RGYGLFAGPC